The following is an entry in ClinVar:

NM_014845.6(FIG4):c.1434+1G>T

Gene: FIG4 (FIG4 phosphoinositide 5-phosphatase; plus strand). Cytogenetic location: 6q21.
Variant type: single nucleotide variant.
Coding change: c.1434+1G>T on transcript NM_014845.6 (MANE Select); the canonical splice donor site of the intron after coding-DNA position 1434, G replaced by T.
Molecular consequence: splice donor variant.
Genome position (GRCh38, 1-based): chr6:109,763,983, G>T. VCF-style: chr6-109763983-G-T. GRCh37 (hg19) VCF-style: chr6-110085186-G-T.
Identifiers: ClinVar variation 4074741 (VCV004074741.1).

ClinVar aggregate classification (germline): Likely pathogenic (1 of 4 stars; one submission).

Conditions:
Yunis-Varon syndrome (YVS). Also called: Cleidocranial dysplasia, micrognathia, absent thumbs, & distal aphalangia. Identifiers: Orphanet 3472, MedGen C1857663, MONDO:0008995, OMIM 216340.
Charcot-Marie-Tooth disease type 4J (CMT4J). Also called: Charcot-Marie-Tooth Neuropathy Type 4J; CHARCOT-MARIE-TOOTH DISEASE, AUTOSOMAL RECESSIVE, TYPE 4J; CHARCOT-MARIE-TOOTH DISEASE, DEMYELINATING, TYPE 4J. Identifiers: Orphanet 139515, MedGen C1970011, MONDO:0012640, OMIM 611228.

gnomAD v4.1: 6 of 1,581,874 alleles (0.00038%); highest among the groups gnomAD compares: Non-Finnish European, 0.00043%; no homozygotes.

Submission:

Institute of Immunology and Genetics Kaiserslautern
Classification: Likely pathogenic for Charcot-Marie-Tooth disease type 4J; Yunis-Varon syndrome. Last evaluated: 2025-06-18. Review status: criteria provided, single submitter. Criteria: ACMG Guidelines, 2015. Collection method: clinical testing. Allele origin: germline. Affected: yes.
Comment: ACMG Criteria: PVS1, PM2; Variant was found in heterozygous state.